The following is an entry in ClinVar:

NM_001256447.2(BCAP31):c.89A>G (p.Lys30Arg)

Gene: BCAP31 (B cell receptor associated protein 31; minus strand). Cytogenetic location: Xq28.
Variant type: single nucleotide variant.
Coding change: c.89A>G on transcript NM_001256447.2 (MANE Select); coding-DNA position 89, A replaced by G.
Protein change: p.Lys30Arg; replaces lysine 30 with arginine.
Molecular consequence: missense variant.
Genome position (GRCh38, 1-based): chrX:153,723,156, T>C on the plus strand (A>G on the coding strand, the complement: BCAP31 is on the minus strand). VCF-style: chrX-153723156-T-C. GRCh37 (hg19) VCF-style: chrX-152988611-T-C.
Other names: c.290A>G (NM_001139457.1); c.89A>G, p.Lys30Arg (NM_001139441.1, NM_005745.8); c.290A>G, p.Lys97Arg (NM_001139457.2); short protein forms K30R, K97R.
Identifiers: ClinVar variation 2904327 (VCV002904327.4), dbSNP rs144781058, ClinGen allele CA337232050.

ClinVar aggregate classification (germline): Uncertain significance. Review status: criteria provided, multiple submitters, no conflicts (2 of 4 stars). 2 submissions from 2 submitters: Uncertain significance (2). Last evaluated 2025-11-20.

Conditions:
Inborn genetic diseases. Identifiers: MedGen C0950123, MeSH D030342.

Allele frequency attached by ClinVar (database versions not stated): TOPMed below 0.00001; gnomAD exomes 0.00003; ESP Exome Variant Server 0.00009.
gnomAD v4.1: 31 of 1,209,571 alleles (0.0026%); highest among the groups gnomAD compares: Non-Finnish European, 0.0034%; no homozygotes.

Submissions (2):

Ambry Genetics
Classification: Uncertain significance for Inborn genetic diseases. Last evaluated: 2025-11-20. Review status: criteria provided, single submitter. Criteria: Ambry Variant Classification Scheme 2023. Collection method: clinical testing. Allele origin: germline.

Labcorp Genetics (formerly Invitae), Labcorp
Classification: Uncertain significance. Last evaluated: 2023-10-09. Review status: criteria provided, single submitter. Criteria: Invitae Variant Classification Sherloc (09022015). Collection method: clinical testing. Allele origin: germline.
Comment: This sequence change replaces lysine, which is basic and polar, with arginine, which is basic and polar, at codon 30 of the BCAP31 protein (p.Lys30Arg). This variant is present in population databases (rs144781058, gnomAD 0.003%). This variant has not been reported in the literature in individuals affected with BCAP31-related conditions. Algorithms developed to predict the effect of missense changes on protein structure and function output the following: SIFT: "Not Available"; PolyPhen-2: "Benign"; Align-GVGD: "Not Available". The arginine amino acid residue is found in multiple mammalian species, which suggests that this missense change does not adversely affect protein function. In summary, the available evidence is currently insufficient to determine the role of this variant in disease. Therefore, it has been classified as a Variant of Uncertain Significance.